The following is an entry in ClinVar:

ClinVar aggregate classification (germline): Pathogenic. Review status: criteria provided, multiple submitters, no conflicts (2 of 4 stars). 2 submissions from 2 submitters: Pathogenic (2). Last evaluated 2025-03-21.

Conditions:
Peutz-Jeghers syndrome (PJS). Also called: Peutz-Jeghers polyposis; Periorificial lentiginosis syndrome; POLYPOSIS, HAMARTOMATOUS INTESTINAL; POLYPS-AND-SPOTS SYNDROME. Identifiers: Orphanet 2869, MedGen C0031269, MeSH D010580, MONDO:0008280, OMIM 175200.

Submissions (2):

Labcorp Genetics (formerly Invitae), Labcorp
Classification: Pathogenic for Peutz-Jeghers syndrome. Last evaluated: 2025-03-21. Review status: criteria provided, single submitter. Criteria: Invitae Variant Classification Sherloc (09022015). Collection method: clinical testing. Allele origin: germline.
Comment: This sequence change replaces proline, which is neutral and non-polar, with arginine, which is basic and polar, at codon 179 of the STK11 protein (p.Pro179Arg). This variant is not present in population databases (gnomAD no frequency). This missense change has been observed in individual(s) with clinical features of Peutz-Jeghers syndrome (PMID: 28391433, 28869103). It has also been observed to segregate with disease in related individuals. ClinVar contains an entry for this variant (Variation ID: 2506199). Invitae Evidence Modeling of protein sequence and biophysical properties (such as structural, functional, and spatial information, amino acid conservation, physicochemical variation, residue mobility, and thermodynamic stability) has been performed for this missense variant. However, the output from this modeling did not meet the statistical confidence thresholds required to predict the impact of this variant on STK11 protein function. Experimental studies have shown that this missense change affects STK11 function (PMID: 34849607). This variant disrupts the p.Pro179 amino acid residue in STK11. Other variant(s) that disrupt this residue have been observed in individuals with STK11-related conditions (PMID: 4103092), which suggests that this may be a clinically significant amino acid residue. For these reasons, this variant has been classified as Pathogenic.

Women's Health and Genetics/Laboratory Corporation of America, LabCorp
Classification: Pathogenic for Peutz-Jeghers syndrome. Last evaluated: 2023-05-18. Review status: criteria provided, single submitter. Criteria: LabCorp Variant Classification Summary - May 2015. Collection method: clinical testing. Allele origin: germline.
Comment: Variant summary: STK11 c.536C>G (p.Pro179Arg) results in a non-conservative amino acid change located in the Protein kinase domain (IPR000719) of the encoded protein sequence. Five of five in-silico tools predict a damaging effect of the variant on protein function. The variant was absent in 235520 control chromosomes (gnomAD). c.536C>G has been reported in the literature in several related individuals affected with Peutz-Jeghers Syndrome (e.g., Chiang_2017, Chiang_2018). These data indicate that the variant is likely to be associated with disease. At least one publication reports experimental evidence evaluating an impact on protein function, showing loss of kinase activity in an in vitro assay, and decreased p53-mediated transcriptional activation in a reporter assay, thus confirming that the loss of activity also abolished STK11-dependent signaling (Donnelly_2021). The following publications have been ascertained in the context of this evaluation (PMID: 28869103, 28391433, 34849607). No clinical diagnostic laboratories have submitted clinical-significance assessments for this variant to ClinVar after 2014. Based on the evidence outlined above, the variant was classified as likely pathogenic.

Literature cited by the submitters: PubMed 28391433 (cited by Labcorp Genetics (formerly Invitae), Labcorp and Women's Health and Genetics/Laboratory Corporation of America, LabCorp); PubMed 28869103 (cited by Labcorp Genetics (formerly Invitae), Labcorp and Women's Health and Genetics/Laboratory Corporation of America, LabCorp); PubMed 34849607 (cited by Labcorp Genetics (formerly Invitae), Labcorp and Women's Health and Genetics/Laboratory Corporation of America, LabCorp); PubMed 4103092 (cited by Labcorp Genetics (formerly Invitae), Labcorp).

NM_000455.5(STK11):c.536C>G (p.Pro179Arg)

Gene: STK11 (serine/threonine kinase 11; plus strand). Cytogenetic location: 19p13.3.
Variant type: single nucleotide variant.
Coding change: c.536C>G on transcript NM_000455.5 (MANE Select); coding-DNA position 536, C replaced by G.
Protein change: p.Pro179Arg; replaces proline 179 with arginine.
Molecular consequence: missense variant. On other transcripts: non-coding transcript variant (1).
Genome position (GRCh38, 1-based): chr19:1,220,444, C>G. VCF-style: chr19-1220444-C-G. GRCh37 (hg19) VCF-style: chr19-1220443-C-G.
Other names: c.536C>G, p.Pro179Arg (NM_001407255.1); short protein forms P179R.
Identifiers: ClinVar variation 2506199 (VCV002506199.2), dbSNP rs786202466, ClinGen allele CA402949074.